The following is an entry in ClinVar:

NM_020774.4(MIB1):c.1135A>G (p.Ser379Gly)

Gene: MIB1 (MIB E3 ubiquitin protein ligase 1; plus strand). Cytogenetic location: 18q11.2.
Variant type: single nucleotide variant.
Coding change: c.1135A>G on transcript NM_020774.4 (MANE Select); coding-DNA position 1135, A replaced by G.
Protein change: p.Ser379Gly; replaces serine 379 with glycine.
Molecular consequence: missense variant.
Genome position (GRCh38, 1-based): chr18:21,798,126, A>G. VCF-style: chr18-21798126-A-G. GRCh37 (hg19) VCF-style: chr18-19378087-A-G.
Other names: short protein forms S379G.
Identifiers: ClinVar variation 4107593 (VCV004107593.1).

ClinVar aggregate classification (germline): Uncertain significance (1 of 4 stars; one submission).

Conditions:
Inborn genetic diseases. Identifiers: MedGen C0950123, MeSH D030342.

Submission:

Ambry Genetics
Classification: Uncertain significance for Inborn genetic diseases. Last evaluated: 2025-07-22. Review status: criteria provided, single submitter. Criteria: Ambry Variant Classification Scheme 2023. Collection method: clinical testing. Allele origin: germline.
Comment: The p.S379G variant (also known as c.1135A>G), located in coding exon 8 of the MIB1 gene, results from an A to G substitution at nucleotide position 1135. The serine at codon 379 is replaced by glycine, an amino acid with similar properties. This amino acid position is conserved. In addition, this alteration is predicted to be tolerated by in silico analysis. Based on the available evidence, the clinical significance of this variant remains unclear.